The following is an entry in ClinVar:

ClinVar aggregate classification (germline): Pathogenic (1 of 4 stars; one submission).

Conditions:
Familial cancer of breast. Also called: hereditary breast carcinoma; BREAST CANCER, FAMILIAL; Hereditary breast cancer. Identifiers: Orphanet 227535, MedGen C0346153, MONDO:0016419, OMIM 114480. Disease mechanism: loss of function.

Submission:

Labcorp Genetics (formerly Invitae), Labcorp
Classification: Pathogenic for Familial cancer of breast. Last evaluated: 2024-06-12. Review status: criteria provided, single submitter. Criteria: Invitae Variant Classification Sherloc (09022015). Collection method: clinical testing. Allele origin: germline.
Comment: This sequence change creates a premature translational stop signal (p.Ala424Profs*28) in the PALB2 gene. It is expected to result in an absent or disrupted protein product. Loss-of-function variants in PALB2 are known to be pathogenic (PMID: 17200668, 17200671, 17200672, 24136930, 25099575). This variant is not present in population databases (gnomAD no frequency). This variant has not been reported in the literature in individuals affected with PALB2-related conditions. For these reasons, this variant has been classified as Pathogenic.

Literature cited by the submitters: PubMed 17200668; PubMed 17200671; PubMed 17200672; PubMed 24136930; PubMed 25099575.

NM_024675.4(PALB2):c.1269del (p.Ala424fs)

Gene: PALB2 (partner and localizer of BRCA2; minus strand). Cytogenetic location: 16p12.2.
Variant type: Deletion.
Coding change: c.1269del on transcript NM_024675.4 (MANE Select); coding-DNA position 1269, one base deleted (A; older notation c.1269delA).
Protein change: p.Ala424fs; shifts the reading frame from alanine 424.
Molecular consequence: frameshift variant. On other transcripts: intron variant (3).
Genome position (GRCh38, 1-based): chr16:23,635,277, T deleted on the plus strand (A on the coding strand, the reverse complement: PALB2 is on the minus strand). VCF-style (leftmost placement, unchanged base first): chr16-23635276-CT-C. GRCh37 (hg19) VCF-style: chr16-23646597-CT-C.
Other names: c.1209del, p.Ala404fs (NM_001407296.1); c.1269del, p.Ala424fs (NM_001407297.1, NM_001407298.1, NM_001407299.1 and 3 more transcripts); c.384del, p.Ala129fs (NM_001407304.1, NM_001407305.1, NM_001407306.1 and 5 more transcripts); c.48+5833del (NM_001407314.1); c.-104-4808del (NM_001407312.1, NM_001407313.1); short protein forms A129fs, A424fs, A404fs.
Identifiers: ClinVar variation 3656383 (VCV003656383.2).